The following is an entry in ClinVar:

NM_017780.4(CHD7):c.901T>C (p.Ser301Pro)

Gene: CHD7 (chromodomain helicase DNA binding protein 7; plus strand). Cytogenetic location: 8q12.2.
Variant type: single nucleotide variant.
Coding change: c.901T>C on transcript NM_017780.4 (MANE Select); coding-DNA position 901, T replaced by C.
Protein change: p.Ser301Pro; replaces serine 301 with proline.
Molecular consequence: missense variant.
Genome position (GRCh38, 1-based): chr8:60,742,333, T>C. VCF-style: chr8-60742333-T-C. GRCh37 (hg19) VCF-style: chr8-61654892-T-C.
Other names: c.901T>C, p.Ser301Pro (NM_001316690.1); short protein forms S301P.
Identifiers: ClinVar variation 2737524 (VCV002737524.3), dbSNP rs1809081560, ClinGen allele CA371299968.

ClinVar aggregate classification (germline): Uncertain significance (1 of 4 stars; one submission).

Conditions:
CHARGE syndrome (CHARGE). Also called: Hittner Hirsch Kreh syndrome; CHARGE ASSOCIATION--COLOBOMA, HEART ANOMALY, CHOANAL ATRESIA, RETARDATION, GENITAL AND EAR ANOMALIES; Coloboma, heart anomaly, choanal atresia, retardation, genital and ear anomalies; CHARGE association; Hall-Hittner syndrome. Identifiers: Orphanet 138, MedGen C0265354, MONDO:0008965.

Submission:

Labcorp Genetics (formerly Invitae), Labcorp
Classification: Uncertain significance for CHARGE syndrome. Last evaluated: 2023-08-08. Review status: criteria provided, single submitter. Criteria: Invitae Variant Classification Sherloc (09022015). Collection method: clinical testing. Allele origin: germline.
Comment: In summary, the available evidence is currently insufficient to determine the role of this variant in disease. Therefore, it has been classified as a Variant of Uncertain Significance. Advanced modeling of protein sequence and biophysical properties (such as structural, functional, and spatial information, amino acid conservation, physicochemical variation, residue mobility, and thermodynamic stability) performed at Invitae indicates that this missense variant is not expected to disrupt CHD7 protein function. This variant has not been reported in the literature in individuals affected with CHD7-related conditions. This variant is not present in population databases (gnomAD no frequency). This sequence change replaces serine, which is neutral and polar, with proline, which is neutral and non-polar, at codon 301 of the CHD7 protein (p.Ser301Pro).